The following is an entry in ClinVar:

ClinVar aggregate classification (germline): Uncertain significance (1 of 4 stars; one submission).

Allele frequency attached by ClinVar (database versions not stated): ESP Exome Variant Server 0.00008; ExAC 0.00010; gnomAD exomes 0.00010 and 0.00026; gnomAD 0.00014 and 0.00015; TOPMed 0.00016.
gnomAD v4.1: 395 of 1,595,456 alleles (0.025%); highest among the groups gnomAD compares: Non-Finnish European, 0.032%; no homozygotes.

Submissions (2):

Labcorp Genetics (formerly Invitae), Labcorp
Classification: Uncertain significance. Last evaluated: 2026-01-26. Review status: criteria provided, single submitter. Criteria: Invitae Variant Classification Sherloc (09022015). Collection method: clinical testing. Allele origin: germline.
Comment: This sequence change falls in intron 10 of the PSMA3 gene. It does not directly change the encoded amino acid sequence of the PSMA3 protein. It affects a nucleotide within the consensus splice site. This variant is present in population databases (rs372180529, gnomAD 0.02%). This variant has not been reported in the literature in individuals affected with PSMA3-related conditions. ClinVar contains an entry for this variant (Variation ID: 1053903). Variants that disrupt the consensus splice site are a relatively common cause of aberrant splicing (PMID: 17576681, 9536098). Algorithms developed to predict the effect of sequence changes on RNA splicing suggest that this variant may disrupt the consensus splice site. In summary, the available evidence is currently insufficient to determine the role of this variant in disease. Therefore, it has been classified as a Variant of Uncertain Significance.

Dr. Peter K. Rogan Lab, Western University
No classification provided (evidence only). Condition: Melanoma. Review status: no classification provided. Collection method: in vitro. Allele origin: not applicable. Functional consequence: retained intron. Not counted in ClinVar's aggregate classification.

Literature cited by the submitters: PubMed 17576681 (cited by Labcorp Genetics (formerly Invitae), Labcorp); PubMed 9536098 (cited by Labcorp Genetics (formerly Invitae), Labcorp).

NM_002788.4(PSMA3):c.724-3C>T

Genes: PSMA3 (proteasome 20S subunit alpha 3; plus strand), PSMA3-AS1 (PSMA3 antisense RNA 1; minus strand). Cytogenetic location: 14q23.1.
Variant type: single nucleotide variant.
Coding change: c.724-3C>T on transcript NM_002788.4 (MANE Select); 3 bases into the intron before coding-DNA position 724, C replaced by T.
Molecular consequence: intron variant.
Genome position (GRCh38, 1-based): chr14:58,271,848, C>T. VCF-style: chr14-58271848-C-T. GRCh37 (hg19) VCF-style: chr14-58738566-C-T.
Other names: c.703-3C>T (NM_152132.3).
Identifiers: ClinVar variation 1053903 (VCV001053903.8), dbSNP rs372180529, ClinGen allele CA7203928.